The following is an entry in ClinVar:

ClinVar aggregate classification (germline): Uncertain significance. Review status: no assertion criteria provided (0 of 4 stars). 2 submissions from 2 submitters: Uncertain significance (2). Last evaluated 2024-07-25.

Conditions:
Congenital factor VII deficiency. Identifiers: Orphanet 327, MedGen C0272320, MONDO:0009211, OMIM 227500.
F7-related disorder. Also called: F7-related condition.

Allele frequency attached by ClinVar (database versions not stated): gnomAD exomes 0.00004 and 0.00006; gnomAD 0.00005 and 0.00006; TOPMed 0.00005; ExAC 0.00006; ESP Exome Variant Server 0.00008.
gnomAD v4.1: 66 of 1,612,662 alleles (0.0041%); highest among the groups gnomAD compares: East Asian, 0.022%; no homozygotes.

Submissions (2):

PreventionGenetics, part of Exact Sciences
Classification: Uncertain significance for F7-related condition. Last evaluated: 2024-07-25. Review status: no assertion criteria provided. Collection method: clinical testing. Allele origin: germline.
Comment: The F7 c.977G>A variant is predicted to result in the amino acid substitution p.Arg326Gln. This variant was reported in individuals with Factor VII deficiency (referred to as p.Arg266Gln, Herrmann et al. 2009. PubMed ID: 18976247; Preisler et al. 2024. PubMed ID: 38397060). This variant is reported in 0.070% of alleles in individuals of East Asian descent in gnomAD. At this time, the clinical significance of this variant is uncertain due to the absence of conclusive functional and genetic evidence.

ISTH-SSC Genomics in Thrombosis and Hemostasis, KU Leuven, Center for Molecular and Vascular Biology
Classification: Uncertain significance for Congenital factor VII deficiency. Review status: no assertion criteria provided. Collection method: clinical testing. Allele origin: unknown. Affected: yes.
Comment: Submitted to GoldVariant by Prof Kathleen Freson from Center for Molecular and Vascular Biology, Leuven, Belgium

NM_019616.4(F7):c.911G>A (p.Arg304Gln)

Gene: F7 (coagulation factor VII; plus strand). Cytogenetic location: 13q34.
Variant type: single nucleotide variant.
Coding change: c.911G>A on transcript NM_019616.4 (MANE Select); coding-DNA position 911, G replaced by A.
Protein change: p.Arg304Gln; replaces arginine 304 with glutamine.
Molecular consequence: missense variant. On other transcripts: non-coding transcript variant (1).
Genome position (GRCh38, 1-based): chr13:113,118,584, G>A. VCF-style: chr13-113118584-G-A. GRCh37 (hg19) VCF-style: chr13-113772898-G-A.
Other names: c.977G>A, p.Arg326Gln (NM_000131.5); c.725G>A, p.Arg242Gln (NM_001267554.2); short protein forms R242Q, R304Q, R326Q.
Identifiers: ClinVar variation 1684387 (VCV001684387.2), dbSNP rs146698837, ClinGen allele CA7060183.
Genomic context (GRCh38, chr13:113,118,584, plus strand): 5'-TCCGCCTGCACCAGCCCGTGGTCCTCACTGACCATGTGGTGCCCCTCTGCCTGCCCGAAC[G>A]GACGTTCTCTGAGAGGACGCTGGCCTTCGTGCGCTTCTCATTGGTCAGCGGCTGGGGCCA-3'
Protein context (NP_062562.1, residues 294-314): DHVVPLCLPE[Arg304Gln]TFSERTLAFV